The following is an entry in ClinVar:

NM_005188.4(CBL):c.1385G>A (p.Arg462Gln)

Gene: CBL (Cbl proto-oncogene; plus strand). Cytogenetic location: 11q23.3.
Variant type: single nucleotide variant.
Coding change: c.1385G>A on transcript NM_005188.4 (MANE Select); coding-DNA position 1385, G replaced by A.
Protein change: p.Arg462Gln; replaces arginine 462 with glutamine.
Molecular consequence: missense variant.
Genome position (GRCh38, 1-based): chr11:119,278,667, G>A. VCF-style: chr11-119278667-G-A. GRCh37 (hg19) VCF-style: chr11-119149377-G-A.
Other names: short protein forms R462Q.
Identifiers: ClinVar variation 2059058 (VCV002059058.5), dbSNP rs2135304829, ClinGen allele CA382914639.

ClinVar aggregate classification (germline): Uncertain significance. Review status: criteria provided, multiple submitters, no conflicts (2 of 4 stars). 2 submissions from 2 submitters: Uncertain significance (2). Last evaluated 2023-03-24.

Conditions:
RASopathy. Also called: Noonan spectrum disorder; rasopathies. Identifiers: Orphanet 536391, MedGen C5555857, MONDO:0021060.

gnomAD v4.1: 4 of 1,613,922 alleles (0.00025%); highest among the groups gnomAD compares: Middle Eastern, 0.017%; no homozygotes.

Submissions (2):

Labcorp Genetics (formerly Invitae), Labcorp
Classification: Uncertain significance for RASopathy. Last evaluated: 2023-03-24. Review status: criteria provided, single submitter. Criteria: Invitae Variant Classification Sherloc (09022015). Collection method: clinical testing. Allele origin: germline.
Comment: This sequence change replaces arginine, which is basic and polar, with glutamine, which is neutral and polar, at codon 462 of the CBL protein (p.Arg462Gln). This variant is not present in population databases (gnomAD no frequency). This variant has not been reported in the literature in individuals affected with CBL-related conditions. ClinVar contains an entry for this variant (Variation ID: 2059058). Advanced modeling of protein sequence and biophysical properties (such as structural, functional, and spatial information, amino acid conservation, physicochemical variation, residue mobility, and thermodynamic stability) performed at Invitae indicates that this missense variant is not expected to disrupt CBL protein function. In summary, the available evidence is currently insufficient to determine the role of this variant in disease. Therefore, it has been classified as a Variant of Uncertain Significance.

Blueprint Genetics
Classification: Uncertain significance. Last evaluated: 2023-02-21. Review status: criteria provided, single submitter. Criteria: ACMG Guidelines, 2015. Collection method: clinical testing. Allele origin: germline.